The following is an entry in ClinVar:

ClinVar aggregate classification (germline): Uncertain significance (0 of 4 stars; one submission).

Conditions:
ITGA2B-related disorder. Also called: ITGA2B-related condition; ITGA2B-related disorders.

gnomAD v4.1: 5 of 1,613,954 alleles (0.00031%); highest among the groups gnomAD compares: African/African-American, 0.0013%; no homozygotes.

Submission:

PreventionGenetics, part of Exact Sciences
Classification: Uncertain significance for ITGA2B-related condition. Last evaluated: 2024-08-27. Review status: no assertion criteria provided. Collection method: clinical testing. Allele origin: germline.
Comment: The ITGA2B c.2456A>G variant is predicted to result in the amino acid substitution p.Asn819Ser. To our knowledge, this variant has not been reported in the literature or in a large population database, indicating this variant is rare. At this time, the clinical significance of this variant is uncertain due to the absence of conclusive functional and genetic evidence.

NM_000419.5(ITGA2B):c.2456A>G (p.Asn819Ser)

Gene: ITGA2B (integrin subunit alpha 2b; minus strand). Cytogenetic location: 17q21.31.
Variant type: single nucleotide variant.
Coding change: c.2456A>G on transcript NM_000419.5 (MANE Select); coding-DNA position 2456, A replaced by G.
Protein change: p.Asn819Ser; replaces asparagine 819 with serine.
Molecular consequence: missense variant.
Genome position (GRCh38, 1-based): chr17:44,375,978, T>C on the plus strand (A>G on the coding strand, the complement: ITGA2B is on the minus strand). VCF-style: chr17-44375978-T-C. GRCh37 (hg19) VCF-style: chr17-42453346-T-C.
Other names: short protein forms N819S.
Identifiers: ClinVar variation 3347190 (VCV003347190.1).